The following is an entry in ClinVar:

NM_001035.3(RYR2):c.12684G>T (p.Glu4228Asp)

Genes: RYR2 (ryanodine receptor 2; plus strand), LOC126806068 (BRD4-independent group 4 enhancer GRCh37_chr1:237947411-237948610; plus strand). Cytogenetic location: 1q43.
Variant type: single nucleotide variant.
Coding change: c.12684G>T on transcript NM_001035.3 (MANE Select); coding-DNA position 12684, G replaced by T.
Protein change: p.Glu4228Asp; replaces glutamic acid 4228 with aspartic acid.
Molecular consequence: missense variant.
Genome position (GRCh38, 1-based): chr1:237,784,396, G>T. VCF-style: chr1-237784396-G-T. GRCh37 (hg19) VCF-style: chr1-237947696-G-T.
Other names: short protein forms E4228D.
Identifiers: ClinVar variation 1332181 (VCV001332181.3), dbSNP rs776421571, ClinGen allele CA085218.
Genomic context (GRCh38, chr1:237,784,396, plus strand): 5'-GTCGGACTTGAACGAGAGGTCAGCGAATAAGGAAGAAAGCGAGAAGGAGAGGCCGGAAGA[G>T]CAGGGGCCGAGGATGGCTTTCTTCTCCATTCTGACGGTCAGGTCGGCCCTGTTTGCGCTC-3'
Protein context (NP_001026.2, residues 4218-4238): KEESEKERPE[Glu4228Asp]QGPRMAFFSI

ClinVar aggregate classification (germline): Uncertain significance (1 of 4 stars; one submission).

Conditions:
Cardiomyopathy (CMYO). Also called: Cardiomyopathies. Identifiers: Orphanet 167848, MedGen C0878544, MONDO:0004994, HP:0001638. Inheritance: Various modes of inheritance.

Allele frequency attached by ClinVar (database versions not stated): gnomAD exomes 0.00001; ExAC 0.00002.
gnomAD v4.1: 13 of 1,613,974 alleles (0.00081%); highest among the groups gnomAD compares: South Asian, 0.014%; 1 homozygote.

Submission:

Color Diagnostics, LLC DBA Color Health
Classification: Uncertain significance for Cardiomyopathy. Last evaluated: 2024-03-06. Review status: criteria provided, single submitter. Criteria: ACMG Guidelines, 2015. Collection method: clinical testing. Allele origin: germline.
Comment: This missense variant replaces glutamic acid with aspartic acid at codon 4228 of the RYR2 protein. Computational prediction suggests that this variant may not impact protein structure and function (internally defined REVEL score threshold <= 0.5, PMID: 27666373). To our knowledge, functional studies have not been reported for this variant. This variant has not been reported in individuals affected with cardiovascular disorders in the literature. This variant has been identified in 3/248416 chromosomes in the general population by the Genome Aggregation Database (gnomAD). The available evidence is insufficient to determine the role of this variant in disease conclusively. Therefore, this variant is classified as a Variant of Uncertain Significance.